The following is an entry in ClinVar:

ClinVar aggregate classification (germline): Uncertain significance. Review status: criteria provided, multiple submitters, no conflicts (2 of 4 stars). 2 submissions from 2 submitters: Uncertain significance (2). Last evaluated 2023-07-01.

Conditions:
Hereditary cancer-predisposing syndrome. Also called: Tumor predisposition; Hereditary Cancer Syndrome; Hereditary neoplastic syndrome; Neoplastic Syndromes, Hereditary. Identifiers: Orphanet 140162, MedGen C0027672, MeSH D009386, MONDO:0015356.

Allele frequency attached by ClinVar (database versions not stated): ExAC 0.00001; gnomAD 0.00001; gnomAD exomes 0.00001.

Submissions (2):

Ambry Genetics
Classification: Uncertain significance for Hereditary cancer-predisposing syndrome. Last evaluated: 2023-07-01. Review status: criteria provided, single submitter. Criteria: Ambry Variant Classification Scheme 2023. Collection method: clinical testing. Allele origin: germline.
Comment: The p.D767G variant (also known as c.2300A>G), located in coding exon 14 of the RAD50 gene, results from an A to G substitution at nucleotide position 2300. The aspartic acid at codon 767 is replaced by glycine, an amino acid with similar properties. This amino acid position is conserved. In addition, this alteration is predicted to be tolerated by in silico analysis. Since supporting evidence is limited at this time, the clinical significance of this alteration remains unclear.

Labcorp Genetics (formerly Invitae), Labcorp
Classification: Uncertain significance for Hereditary cancer-predisposing syndrome. Last evaluated: 2021-12-23. Review status: criteria provided, single submitter. Criteria: Invitae Variant Classification Sherloc (09022015). Collection method: clinical testing. Allele origin: germline.
Comment: This variant has not been reported in the literature in individuals affected with RAD50-related conditions. Algorithms developed to predict the effect of missense changes on protein structure and function (SIFT, PolyPhen-2, Align-GVGD) all suggest that this variant is likely to be tolerated. In summary, the available evidence is currently insufficient to determine the role of this variant in disease. Therefore, it has been classified as a Variant of Uncertain Significance. This sequence change replaces aspartic acid, which is acidic and polar, with glycine, which is neutral and non-polar, at codon 767 of the RAD50 protein (p.Asp767Gly). This variant is present in population databases (rs775997667, gnomAD 0.003%).

NM_005732.4(RAD50):c.2300A>G (p.Asp767Gly)

Gene: RAD50 (RAD50 double strand break repair protein; plus strand). Cytogenetic location: 5q31.1.
Variant type: single nucleotide variant.
Coding change: c.2300A>G on transcript NM_005732.4 (MANE Select); coding-DNA position 2300, A replaced by G.
Protein change: p.Asp767Gly; replaces aspartic acid 767 with glycine.
Molecular consequence: missense variant.
Genome position (GRCh38, 1-based): chr5:132,603,392, A>G. VCF-style: chr5-132603392-A-G. GRCh37 (hg19) VCF-style: chr5-131939084-A-G.
Other names: c.2300A>G (NM_005732.3); short protein forms D767G.
Identifiers: ClinVar variation 1965170 (VCV001965170.7), dbSNP rs775997667, ClinGen allele CA3405365.